The following is an entry in ClinVar:

NM_017831.4(RNF125):c.472A>G (p.Ile158Val)

Gene: RNF125 (ring finger protein 125; plus strand). Cytogenetic location: 18q12.1.
Variant type: single nucleotide variant.
Coding change: c.472A>G on transcript NM_017831.4 (MANE Select); coding-DNA position 472, A replaced by G.
Protein change: p.Ile158Val; replaces isoleucine 158 with valine.
Molecular consequence: missense variant.
Genome position (GRCh38, 1-based): chr18:32,045,700, A>G. VCF-style: chr18-32045700-A-G. GRCh37 (hg19) VCF-style: chr18-29625663-A-G.
Other names: short protein forms I158V.
Identifiers: ClinVar variation 848755 (VCV000848755.9), dbSNP rs2039263250, ClinGen allele CA402255166.

ClinVar aggregate classification (germline): Uncertain significance (1 of 4 stars; one submission).

Conditions:
Tenorio syndrome (TNORS). Also called: OVERGROWTH, MACROCEPHALY, AND INTELLECTUAL DISABILITY SYNDROME. Identifiers: MedGen C4015710, MONDO:0014553, OMIM 616260.

Allele frequency attached by ClinVar (database versions not stated): gnomAD exomes below 0.00001; TOPMed below 0.00001; gnomAD 0.00001.
gnomAD v4.1: 2 of 1,612,766 alleles (0.00012%); highest among the groups gnomAD compares: Admixed American, 0.0017%; no homozygotes.

Submission:

Labcorp Genetics (formerly Invitae), Labcorp
Classification: Uncertain significance for Tenorio syndrome. Last evaluated: 2019-02-13. Review status: criteria provided, single submitter. Criteria: Invitae Variant Classification Sherloc (09022015). Collection method: clinical testing. Allele origin: germline.
Comment: In summary, the available evidence is currently insufficient to determine the role of this variant in disease. Therefore, it has been classified as a Variant of Uncertain Significance. Algorithms developed to predict the effect of missense changes on protein structure and function output the following: SIFT: "Tolerated"; PolyPhen-2: "Benign"; Align-GVGD: "Class C0". The valine amino acid residue is found in multiple mammalian species, suggesting that this missense change does not adversely affect protein function. These predictions have not been confirmed by published functional studies and their clinical significance is uncertain. This variant has not been reported in the literature in individuals with RNF125-related conditions. This variant is not present in population databases (ExAC no frequency). This sequence change replaces isoleucine with valine at codon 158 of the RNF125 protein (p.Ile158Val). The isoleucine residue is moderately conserved and there is a small physicochemical difference between isoleucine and valine.